The following is an entry in ClinVar:

NM_000336.3(SCNN1B):c.918C>T (p.Tyr306=)

Gene: SCNN1B (sodium channel epithelial 1 subunit beta; plus strand). Cytogenetic location: 16p12.2.
Variant type: single nucleotide variant.
Coding change: c.918C>T on transcript NM_000336.3 (MANE Select); coding-DNA position 918, C replaced by T.
Protein change: p.Tyr306=; no amino-acid change (tyrosine 306 retained).
Molecular consequence: synonymous variant.
Genome position (GRCh38, 1-based): chr16:23,371,336, C>T. VCF-style: chr16-23371336-C-T. GRCh37 (hg19) VCF-style: chr16-23382657-C-T.
Identifiers: ClinVar variation 887720 (VCV000887720.6), dbSNP rs374264520, ClinGen allele CA7960302.

ClinVar aggregate classification (germline): Conflicting classifications of pathogenicity. Review status: criteria provided, conflicting classifications (1 of 4 stars). 4 submissions from 2 submitters: Uncertain significance (1); Benign (2); Likely benign (1). Last evaluated 2025-10-07.

Conditions:
Bronchiectasis with or without elevated sweat chloride 1 (BESC1). Also called: Cystic Fibrosis-Like Syndrome. Identifiers: Orphanet 60033, MedGen C2749757, MONDO:0008887, OMIM 211400.
Pseudohypoaldosteronism, type IB1, autosomal recessive. Also called: Pseudohypoaldosteronism, Type I, Autosomal Recessive; PHA I, AUTOSOMAL RECESSIVE; Autosomal recessive pseudohypoaldosteronism type 1; Pseudohypoaldosteronism, Type I, Recessive. Identifiers: Orphanet 171876, Orphanet 756, MedGen C5774176, MONDO:0009917, OMIM 264350.
Liddle syndrome 1 (LIDLS1). Also called: PSEUDOALDOSTERONISM. Identifiers: Orphanet 526, MedGen CN031472, MONDO:0020607, OMIM 177200.

Allele frequency attached by ClinVar (database versions not stated): TOPMed 0.00005; gnomAD 0.00006 and 0.00007; ExAC 0.00007; gnomAD exomes 0.00007; ESP Exome Variant Server 0.00008.
gnomAD v4.1: 107 of 1,614,026 alleles (0.0066%); highest among the groups gnomAD compares: Admixed American, 0.017%; no homozygotes.

Submissions (4):

Labcorp Genetics (formerly Invitae), Labcorp
Classification: Likely benign. Last evaluated: 2025-10-07. Review status: criteria provided, single submitter. Criteria: Invitae Variant Classification Sherloc (09022015). Collection method: clinical testing. Allele origin: germline.

Illumina Laboratory Services, Illumina
Classification: Benign for Bronchiectasis with or without elevated sweat chloride 1. Last evaluated: 2017-04-28. Review status: criteria provided, single submitter. Criteria: ICSL Variant Classification Criteria 13 December 2019. Collection method: clinical testing. Allele origin: germline.
Comment: This variant was observed as part of a predisposition screen in an ostensibly healthy population. A literature search was performed for the gene, cDNA change, and amino acid change (where applicable). No publications were found based on this search. Allele frequency data from public databases was too high to be consistent with this variant causing disease. Therefore, this variant is classified as benign.

Illumina Laboratory Services, Illumina
Classification: Benign for Liddle syndrome 1. Last evaluated: 2017-04-28. Review status: criteria provided, single submitter. Criteria: ICSL Variant Classification Criteria 13 December 2019. Collection method: clinical testing. Allele origin: germline.
Comment: the same text as in the submission from Illumina Laboratory Services, Illumina above.

Illumina Laboratory Services, Illumina
Classification: Uncertain significance for Pseudohypoaldosteronism, type IB1, autosomal recessive. Last evaluated: 2017-04-28. Review status: criteria provided, single submitter. Criteria: ICSL Variant Classification Criteria 13 December 2019. Collection method: clinical testing. Allele origin: germline.